The following is an entry in ClinVar:

ClinVar aggregate classification (germline): Benign/Likely benign. Review status: criteria provided, multiple submitters, no conflicts (2 of 4 stars). 9 submissions from 9 submitters: Benign (5); Likely benign (1). 3 of the submissions do not count toward it. Last evaluated 2026-03-30.

Submissions 1 to 29 of 68:

Women's Health and Genetics/Laboratory Corporation of America, LabCorp
Classification: Benign. Last evaluated: 2026-03-30. Review status: criteria provided, single submitter. Criteria: LabCorp Variant Classification Summary - May 2015. Collection method: clinical testing. Allele origin: germline.
Comment: Variant summary: CPLANE1 c.8471-3delT alters a conserved nucleotide located close to a canonical splice site and therefore could affect mRNA splicing, leading to a significantly altered protein sequence. Consensus agreement among computation tools predict no significant impact on normal splicing. However, these predictions have yet to be confirmed by functional studies. The variant allele was found at a frequency of 0.15 in 129728 control chromosomes in the gnomAD database, including 1186 homozygotes. The observed variant frequency exceeds the estimated maximal expected allele frequency for disease-causing variants in CPLANE1. To our knowledge, no occurrence of c.8471-3delT in individuals affected with CPLANE1-related conditions and no experimental evidence demonstrating its impact on protein function have been reported. ClinVar contains an entry for this variant (Variation ID: 197507). Based on the evidence outlined above, the variant was classified as benign.

Labcorp Genetics (formerly Invitae), Labcorp
Classification: Benign. Last evaluated: 2026-02-04. Review status: criteria provided, single submitter. Criteria: Invitae Variant Classification Sherloc (09022015). Collection method: clinical testing. Allele origin: germline.

Blueprint Genetics
Classification: Likely benign. Last evaluated: 2024-11-26. Review status: criteria provided, single submitter. Criteria: ACMG Guidelines, 2015. Collection method: clinical testing. Allele origin: germline.

Mayo Clinic Laboratories, Mayo Clinic
Classification: Benign. Last evaluated: 2022-03-09. Review status: criteria provided, single submitter. Criteria: ACMG Guidelines, 2015. Collection method: clinical testing. Allele origin: germline. Observed: 12 variant alleles.

GeneDx
Classification: Benign. Last evaluated: 2018-05-31. Review status: criteria provided, single submitter. Criteria: GeneDx Variant Classification Process June 2021. Collection method: clinical testing. Allele origin: germline. Affected: yes.

Eurofins Ntd Llc (ga)
Classification: Benign. Last evaluated: 2015-11-13. Review status: criteria provided, single submitter. Criteria: EGL Classification Definitions 2015. Collection method: clinical testing. Allele origin: germline. Observed: 16 variant alleles, 15 heterozygotes, 1 homozygote.

Clinical Genetics DNA and cytogenetics Diagnostics Lab, Erasmus MC, Erasmus Medical Center
Classification: Benign. Review status: no assertion criteria provided. Collection method: clinical testing. Allele origin: germline. Affected: yes. Study: VKGL Data-share Consensus. Not counted in ClinVar's aggregate classification.

Diagnostic Laboratory, Department of Genetics, University Medical Center Groningen
Classification: Benign. Review status: no assertion criteria provided. Collection method: clinical testing. Allele origin: germline. Affected: yes. Study: VKGL Data-share Consensus. Not counted in ClinVar's aggregate classification.

Dr. Peter K. Rogan Lab, Western University
No classification provided (evidence only). Condition: Adrenocortical carcinoma, hereditary. Review status: no classification provided. Collection method: in vitro. Allele origin: not applicable. Functional consequence: skipped exon, retained intron. Not counted in ClinVar's aggregate classification.

Dr. Peter K. Rogan Lab, Western University
No classification provided (evidence only). Condition: Adrenocortical carcinoma, hereditary. Review status: no classification provided. Collection method: in vitro. Allele origin: not applicable. Functional consequence: skipped exon, retained intron. Not counted in ClinVar's aggregate classification.

Dr. Peter K. Rogan Lab, Western University
No classification provided (evidence only). Condition: Adrenocortical carcinoma, hereditary. Review status: no classification provided. Collection method: in vitro. Allele origin: not applicable. Functional consequence: retained intron. Not counted in ClinVar's aggregate classification.

Dr. Peter K. Rogan Lab, Western University
No classification provided (evidence only). Condition: Adrenocortical carcinoma, hereditary. Review status: no classification provided. Collection method: in vitro. Allele origin: not applicable. Functional consequence: retained intron. Not counted in ClinVar's aggregate classification.

Dr. Peter K. Rogan Lab, Western University
No classification provided (evidence only). Condition: Adrenocortical carcinoma, hereditary. Review status: no classification provided. Collection method: in vitro. Allele origin: not applicable. Functional consequence: skipped exon. Not counted in ClinVar's aggregate classification.

Dr. Peter K. Rogan Lab, Western University
No classification provided (evidence only). Condition: Adrenocortical carcinoma, hereditary. Review status: no classification provided. Collection method: in vitro. Allele origin: not applicable. Functional consequence: skipped exon. Not counted in ClinVar's aggregate classification.

Dr. Peter K. Rogan Lab, Western University
No classification provided (evidence only). Condition: Cholangiocarcinoma. Review status: no classification provided. Collection method: in vitro. Allele origin: not applicable. Functional consequence: retained intron. Not counted in ClinVar's aggregate classification.

Dr. Peter K. Rogan Lab, Western University
No classification provided (evidence only). Condition: Cholangiocarcinoma. Review status: no classification provided. Collection method: in vitro. Allele origin: not applicable. Functional consequence: retained intron. Not counted in ClinVar's aggregate classification.

Dr. Peter K. Rogan Lab, Western University
No classification provided (evidence only). Condition: Melanoma. Review status: no classification provided. Collection method: in vitro. Allele origin: not applicable. Functional consequence: retained intron. Not counted in ClinVar's aggregate classification.

Dr. Peter K. Rogan Lab, Western University
No classification provided (evidence only). Condition: Melanoma. Review status: no classification provided. Collection method: in vitro. Allele origin: not applicable. Functional consequence: skipped exon. Not counted in ClinVar's aggregate classification.

Dr. Peter K. Rogan Lab, Western University
No classification provided (evidence only). Condition: Melanoma. Review status: no classification provided. Collection method: in vitro. Allele origin: not applicable. Functional consequence: skipped exon. Not counted in ClinVar's aggregate classification.

Dr. Peter K. Rogan Lab, Western University
No classification provided (evidence only). Condition: Uterine corpus endometrial carcinoma. Review status: no classification provided. Collection method: in vitro. Allele origin: not applicable. Functional consequence: retained intron. Not counted in ClinVar's aggregate classification.

Dr. Peter K. Rogan Lab, Western University
No classification provided (evidence only). Condition: Uterine corpus endometrial carcinoma. Review status: no classification provided. Collection method: in vitro. Allele origin: not applicable. Functional consequence: skipped exon. Not counted in ClinVar's aggregate classification.

Dr. Peter K. Rogan Lab, Western University
No classification provided (evidence only). Condition: Chronic lymphocytic leukemia/small lymphocytic lymphoma. Review status: no classification provided. Collection method: in vitro. Allele origin: not applicable. Functional consequence: retained intron. Not counted in ClinVar's aggregate classification.

Dr. Peter K. Rogan Lab, Western University
No classification provided (evidence only). Condition: Chronic lymphocytic leukemia/small lymphocytic lymphoma. Review status: no classification provided. Collection method: in vitro. Allele origin: not applicable. Functional consequence: retained intron. Not counted in ClinVar's aggregate classification.

Dr. Peter K. Rogan Lab, Western University
No classification provided (evidence only). Condition: Chronic lymphocytic leukemia/small lymphocytic lymphoma. Review status: no classification provided. Collection method: in vitro. Allele origin: not applicable. Functional consequence: retained intron. Not counted in ClinVar's aggregate classification.

Dr. Peter K. Rogan Lab, Western University
No classification provided (evidence only). Condition: Chronic lymphocytic leukemia/small lymphocytic lymphoma. Review status: no classification provided. Collection method: in vitro. Allele origin: not applicable. Functional consequence: retained intron. Not counted in ClinVar's aggregate classification.

Dr. Peter K. Rogan Lab, Western University
No classification provided (evidence only). Condition: Chronic lymphocytic leukemia/small lymphocytic lymphoma. Review status: no classification provided. Collection method: in vitro. Allele origin: not applicable. Functional consequence: retained intron. Not counted in ClinVar's aggregate classification.

Dr. Peter K. Rogan Lab, Western University
No classification provided (evidence only). Condition: Chronic lymphocytic leukemia/small lymphocytic lymphoma. Review status: no classification provided. Collection method: in vitro. Allele origin: not applicable. Functional consequence: skipped exon, retained intron. Not counted in ClinVar's aggregate classification.

Dr. Peter K. Rogan Lab, Western University
No classification provided (evidence only). Condition: Chronic lymphocytic leukemia/small lymphocytic lymphoma. Review status: no classification provided. Collection method: in vitro. Allele origin: not applicable. Functional consequence: skipped exon, retained intron. Not counted in ClinVar's aggregate classification.

Dr. Peter K. Rogan Lab, Western University
No classification provided (evidence only). Condition: Nonpapillary renal cell carcinoma. Review status: no classification provided. Collection method: in vitro. Allele origin: not applicable. Functional consequence: retained intron. Not counted in ClinVar's aggregate classification.

NM_001384732.1(CPLANE1):c.8633-3del

Gene: CPLANE1 (ciliogenesis and planar polarity effector complex subunit 1; minus strand). Cytogenetic location: 5p13.2.
Variant type: Deletion.
Coding change: c.8633-3del on transcript NM_001384732.1 (MANE Select); 3 bases into the intron before coding-DNA position 8633, one base deleted (T; older notation c.8633-3delT).
Molecular consequence: intron variant.
Genome position (GRCh38, 1-based): chr5:37,139,373, A deleted on the plus strand (T on the coding strand, the reverse complement: CPLANE1 is on the minus strand); the first of 10 consecutive A bases (chr5:37,139,373-37,139,382); deleting any one gives the same sequence. VCF-style (leftmost placement, unchanged base first): chr5-37139372-TA-T. GRCh37 (hg19) VCF-style: chr5-37139474-TA-T.
Other names: NC_000005.9:g.37139484del; p.?; c.8633-12del (NM_001384732.1); c.8471-3delT (NM_023073.4, NM_023073.3); c.8471-3del (NM_023073.4).
Identifiers: ClinVar variation 197507 (VCV000197507.28), dbSNP rs34646696, ClinGen allele CA202920.